The following is an entry in ClinVar:

ClinVar aggregate classification (germline): Likely pathogenic (1 of 4 stars; one submission).

Conditions:
Rare genetic deafness. Identifiers: Orphanet 96210, MedGen C5680250.

Submission:

Laboratory for Molecular Medicine, Mass General Brigham Personalized Medicine
Classification: Likely pathogenic for Rare genetic deafness. Last evaluated: 2016-01-14. Review status: criteria provided, single submitter. Criteria: LMM Criteria. Collection method: clinical testing. Allele origin: germline. Inheritance: Autosomal dominant inheritance. Observed: 3 variant alleles.
Comment: The deletion of exons 7-9 in DFNA5 has been previously reported in one individua l with hearing loss and segregated with disease in two affected family members. It was not observed in large population studies. This variant leads to a loss of exons 7-9 of the DFNA5 gene and is predicted to result in a truncated or absent protein. To date, all variants in DFNA5 reported to cause hearing loss result i n exon 8 skipping (Yu 2003, Bischoff 2004, Van Laer 2005, Cheng 2007, Park 2010, Nishio 2014); however, the mechanism is unknown. In summary, although additiona l studies are required to fully establish its clinical significance, this varian t is likely pathogenic. It should be noted that exact breakpoints of the detecte d deletion could not be determined due to limitations of the testing methodology .

Literature cited by the submitters: PubMed 14676472; PubMed 19911014; PubMed 24506266; PubMed 9771715; PubMed 14559215; PubMed 17868390.

NM_004403.2(GSDME):c.(?_863)-60_(1257_?)+61del

Gene: GSDME (gasdermin E; minus strand). Cytogenetic location: 7p15.3.
Variant type: Deletion.
Identifiers: ClinVar variation 228250 (VCV000228250.4).